The following is an entry in ClinVar:

NM_006231.4(POLE):c.2017G>T (p.Gly673Cys)

Gene: POLE (DNA polymerase epsilon, catalytic subunit; minus strand). Cytogenetic location: 12q24.33.
Variant type: single nucleotide variant.
Coding change: c.2017G>T on transcript NM_006231.4 (MANE Select); coding-DNA position 2017, G replaced by T.
Protein change: p.Gly673Cys; replaces glycine 673 with cysteine.
Molecular consequence: missense variant.
Genome position (GRCh38, 1-based): chr12:132,668,644, C>A on the plus strand (G>T on the coding strand, the complement: POLE is on the minus strand). VCF-style: chr12-132668644-C-A. GRCh37 (hg19) VCF-style: chr12-133245230-C-A.
Other names: short protein forms G673C.
Identifiers: ClinVar variation 3716723 (VCV003716723.2).

ClinVar aggregate classification (germline): Uncertain significance (1 of 4 stars; one submission).

Submission:

Labcorp Genetics (formerly Invitae), Labcorp
Classification: Uncertain significance. Last evaluated: 2024-12-12. Review status: criteria provided, single submitter. Criteria: Invitae Variant Classification Sherloc (09022015). Collection method: clinical testing. Allele origin: germline.
Comment: This sequence change replaces glycine, which is neutral and non-polar, with cysteine, which is neutral and slightly polar, at codon 673 of the POLE protein (p.Gly673Cys). This variant is not present in population databases (gnomAD no frequency). This variant has not been reported in the literature in individuals affected with POLE-related conditions. Invitae Evidence Modeling of protein sequence and biophysical properties (such as structural, functional, and spatial information, amino acid conservation, physicochemical variation, residue mobility, and thermodynamic stability) indicates that this missense variant is expected to disrupt POLE protein function with a positive predictive value of 80%. Algorithms developed to predict the effect of sequence changes on RNA splicing suggest that this variant may create or strengthen a splice site. In summary, the available evidence is currently insufficient to determine the role of this variant in disease. Therefore, it has been classified as a Variant of Uncertain Significance.